The following is an entry in ClinVar:

ClinVar aggregate classification (germline): Uncertain significance. Review status: criteria provided, multiple submitters, no conflicts (2 of 4 stars). 3 submissions from 3 submitters: Uncertain significance (2). 1 of the submissions does not count toward it. Last evaluated 2025-05-12.

Conditions:
Steroid-resistant nephrotic syndrome. Identifiers: MedGen C0403397, MONDO:0044765, HP:0012588.

Allele frequency attached by ClinVar (database versions not stated): gnomAD exomes below 0.00001.
gnomAD v4.1: 6 of 1,613,980 alleles (0.00037%); highest among the groups gnomAD compares: South Asian, 0.0011%; no homozygotes.

Submissions (3):

GeneDx
Classification: Uncertain significance. Last evaluated: 2025-05-12. Review status: criteria provided, single submitter. Criteria: GeneDx Variant Classification Process June 2021. Collection method: clinical testing. Allele origin: germline. Affected: yes.
Comment: Not observed at significant frequency in large population cohorts (gnomAD); In silico analysis supports that this missense variant has a deleterious effect on protein structure/function; Has not been previously published as pathogenic or benign to our knowledge

Labcorp Genetics (formerly Invitae), Labcorp
Classification: Uncertain significance. Last evaluated: 2021-08-20. Review status: criteria provided, single submitter. Criteria: Invitae Variant Classification Sherloc (09022015). Collection method: clinical testing. Allele origin: germline.
Comment: This sequence change replaces aspartic acid with glycine at codon 183 of the NPHS2 protein (p.Asp183Gly). The aspartic acid residue is highly conserved and there is a moderate physicochemical difference between aspartic acid and glycine. This variant is not present in population databases (ExAC no frequency). This variant has not been reported in the literature in individuals affected with NPHS2-related conditions. Advanced modeling of protein sequence and biophysical properties (such as structural, functional, and spatial information, amino acid conservation, physicochemical variation, residue mobility, and thermodynamic stability) performed at Invitae indicates that this missense variant is expected to disrupt NPHS2 protein function. In summary, the available evidence is currently insufficient to determine the role of this variant in disease. Therefore, it has been classified as a Variant of Uncertain Significance.

Natera, Inc.
Classification: Uncertain significance for Steroid-resistant nephrotic syndrome. Last evaluated: 2020-12-10. Review status: no assertion criteria provided. Collection method: clinical testing. Allele origin: germline. Not counted in ClinVar's aggregate classification.

NM_014625.4(NPHS2):c.548A>G (p.Asp183Gly)

Gene: NPHS2 (NPHS2 stomatin family member, podocin; minus strand). Cytogenetic location: 1q25.2.
Variant type: single nucleotide variant.
Coding change: c.548A>G on transcript NM_014625.4 (MANE Select); coding-DNA position 548, A replaced by G.
Protein change: p.Asp183Gly; replaces aspartic acid 183 with glycine.
Molecular consequence: missense variant. On other transcripts: intron variant (1).
Genome position (GRCh38, 1-based): chr1:179,557,217, T>C on the plus strand (A>G on the coding strand, the complement: NPHS2 is on the minus strand). VCF-style: chr1-179557217-T-C. GRCh37 (hg19) VCF-style: chr1-179526352-T-C.
Other names: c.534+2462A>G (NM_001297575.2); c.548A>G (NM_014625.3); short protein forms D183G.
Identifiers: ClinVar variation 1039243 (VCV001039243.4), dbSNP rs1673967924, ClinGen allele CA343568322.